The following is an entry in ClinVar:

ClinVar aggregate classification (germline): Conflicting classifications of pathogenicity. Review status: criteria provided, conflicting classifications (1 of 4 stars). 3 submissions from 3 submitters: Uncertain significance (2); Likely benign (1). Last evaluated 2025-09-03.

Conditions:
SLC12A2-related disorder. Also called: SLC12A2-related condition; SLC12A2-related disorders.

Submissions (3):

Labcorp Genetics (formerly Invitae), Labcorp
Classification: Likely benign. Last evaluated: 2025-09-03. Review status: criteria provided, single submitter. Criteria: Invitae Variant Classification Sherloc (09022015). Collection method: clinical testing. Allele origin: germline.

PreventionGenetics, part of Exact Sciences
Classification: Uncertain significance for SLC12A2-related condition. Last evaluated: 2023-03-21. Review status: criteria provided, single submitter. Criteria: ACMG Guidelines, 2015. Collection method: clinical testing. Allele origin: germline.
Comment: The SLC12A2 c.285_287dupTGC variant is predicted to result in an in-frame duplication (p.Ala107dup). To our knowledge, this variant has not been reported in the literature. This variant is reported in 0.070% of alleles in individuals of African descent in gnomAD. At this time, the clinical significance of this variant is uncertain due to the absence of conclusive functional and genetic evidence.

Breakthrough Genomics
Classification: Uncertain significance. Review status: criteria provided, single submitter. Criteria: ACMG Guidelines, 2015. Collection method: not provided. Allele origin: germline. Inheritance: Autosomal recessive inheritance. Affected: yes.

NM_001046.3(SLC12A2):c.282TGC[3] (p.Ala107dup)

Genes: SLC12A2 (solute carrier family 12 member 2; plus strand), LOC129994526 (ATAC-STARR-seq lymphoblastoid silent region 16295; plus strand). Cytogenetic location: 5q23.3.
Variant type: Microsatellite.
Coding change: c.282TGC[3] on transcript NM_001046.3 (MANE Select); three copies in a row of the 3-base unit TGC starting at c.282; the reference has two copies in a row; one copy, 3 bases duplicated.
Protein change: p.Ala107dup; duplicates alanine 107.
Molecular consequence: inframe insertion. On other transcripts: non-coding transcript variant (1).
Genome position (GRCh38, 1-based): chr5:128,084,239-128,084,241, TGC duplicated; duplicating any 3 consecutive bases within chr5:128,084,234-128,084,241 gives the same sequence; the position shown is the placement nearest the transcript's 3' end. VCF-style (leftmost placement, unchanged base first): chr5-128084233-C-CGCT. GRCh37 (hg19) VCF-style: chr5-127419925-C-CGCT.
Other names: c.282TGC[3], p.Ala107dup (NM_001256461.2); c.285_287dupTGC (NM_001046.2).
Identifiers: ClinVar variation 1394883 (VCV001394883.7), dbSNP rs756517331, ClinGen allele CA3392754.